The following is an entry in ClinVar:

ClinVar aggregate classification (germline): Uncertain significance. Review status: criteria provided, multiple submitters, no conflicts (2 of 4 stars). 3 submissions from 3 submitters: Uncertain significance (3). Last evaluated 2025-12-29.

Conditions:
SCN9A-related disorder. Also called: SCN9A-related condition; SCN9A-related disorders.
Neuropathy, hereditary sensory and autonomic, type 2A (HSAN2A). Also called: HSAN IIA; ACROOSTEOLYSIS, GIACCAI TYPE; ACROOSTEOLYSIS, NEUROGENIC; WNK1-Related HSAN2 (HSAN2A); MORVAN DISEASE; NEUROPATHY, CONGENITAL SENSORY. Identifiers: Orphanet 970, MedGen C2752089, MONDO:0024309, OMIM 201300.
Generalized epilepsy with febrile seizures plus, type 7 (GEFSP7). Also called: GEFS+, TYPE 7. Identifiers: Orphanet 36387, MedGen C2751778, MONDO:0013470, OMIM 613863.
Inborn genetic diseases. Identifiers: MedGen C0950123, MeSH D030342.

Allele frequency attached by ClinVar (database versions not stated): gnomAD exomes below 0.00001 and 0.00001; ExAC 0.00001; gnomAD 0.00002; TOPMed 0.00003.
gnomAD v4.1: 5 of 1,613,136 alleles (0.00031%); highest among the groups gnomAD compares: African/African-American, 0.0067%; no homozygotes.

Submissions (3):

PreventionGenetics, part of Exact Sciences
Classification: Uncertain significance for SCN9A-related condition. Last evaluated: 2025-12-29. Review status: criteria provided, single submitter. Criteria: ACMG Guidelines, 2015. Collection method: clinical testing. Allele origin: germline.
Comment: The SCN9A c.5782G>A variant is predicted to result in the amino acid substitution p.Glu1928Lys. To our knowledge, this variant has not been reported in the literature. This variant is reported in 0.017% of alleles in individuals of African descent in gnomAD. At this time, the clinical significance of this variant is uncertain due to the absence of conclusive functional and genetic evidence.

Labcorp Genetics (formerly Invitae), Labcorp
Classification: Uncertain significance for Neuropathy, hereditary sensory and autonomic, type 2A; Generalized epilepsy with febrile seizures plus, type 7. Last evaluated: 2025-06-19. Review status: criteria provided, single submitter. Criteria: Invitae Variant Classification Sherloc (09022015). Collection method: clinical testing. Allele origin: germline.
Comment: This sequence change replaces glutamic acid, which is acidic and polar, with lysine, which is basic and polar, at codon 1928 of the SCN9A protein (p.Glu1928Lys). This variant is present in population databases (rs752262872, gnomAD 0.02%). This variant has not been reported in the literature in individuals affected with SCN9A-related conditions. ClinVar contains an entry for this variant (Variation ID: 651600). Invitae Evidence Modeling of protein sequence and biophysical properties (such as structural, functional, and spatial information, amino acid conservation, physicochemical variation, residue mobility, and thermodynamic stability) has been performed for this missense variant. However, the output from this modeling did not meet the statistical confidence thresholds required to predict the impact of this variant on SCN9A protein function. In summary, the available evidence is currently insufficient to determine the role of this variant in disease. Therefore, it has been classified as a Variant of Uncertain Significance.

Ambry Genetics
Classification: Uncertain significance for Inborn genetic diseases. Last evaluated: 2025-02-14. Review status: criteria provided, single submitter. Criteria: Ambry Variant Classification Scheme 2023. Collection method: clinical testing. Allele origin: germline.

NM_001365536.1(SCN9A):c.5815G>A (p.Glu1939Lys)

Genes: SCN9A (sodium voltage-gated channel alpha subunit 9; minus strand), SCN1A-AS1 (SCN1A and SCN9A antisense RNA 1; plus strand). Cytogenetic location: 2q24.3.
Variant type: single nucleotide variant.
Coding change: c.5815G>A on transcript NM_001365536.1 (MANE Select); coding-DNA position 5815, G replaced by A.
Protein change: p.Glu1939Lys; replaces glutamic acid 1939 with lysine.
Molecular consequence: missense variant.
Genome position (GRCh38, 1-based): chr2:166,198,824, C>T on the plus strand (G>A on the coding strand, the complement: SCN9A is on the minus strand). VCF-style: chr2-166198824-C-T. GRCh37 (hg19) VCF-style: chr2-167055334-C-T.
Other names: c.5782G>A, p.Glu1928Lys (NM_002977.4); short protein forms E1939K, E1928K.
Identifiers: ClinVar variation 651600 (VCV000651600.13), dbSNP rs752262872, ClinGen allele CA1943610.